The following is an entry in ClinVar:

NM_000059.4(BRCA2):c.891_899delinsGATACTTCAG (p.Thr298fs)

Gene: BRCA2 (BRCA2 DNA repair associated; plus strand). Cytogenetic location: 13q13.1.
Variant type: Indel.
Coding change: c.891_899delinsGATACTTCAG on transcript NM_000059.4 (MANE Select); coding-DNA positions 891 to 899, AACAGTTGT replaced by GATACTTCAG.
Protein change: p.Thr298fs; shifts the reading frame from threonine 298.
Molecular consequence: frameshift variant.
Genome position (GRCh38, 1-based): chr13:32,332,369-32,332,377, AACAGTTGT replaced by GATACTTCAG. VCF-style: chr13-32332369-AACAGTTGT-GATACTTCAG. GRCh37 (hg19) VCF-style: chr13-32906506-AACAGTTGT-GATACTTCAG.
Other names: 1119del9ins10; c.891_899delAACAGTTGTinsGATACTTCAG (NM_000059.3); short protein forms T298fs.
Identifiers: ClinVar variation 125928 (VCV000125928.25), dbSNP rs276174914, ClinGen allele CA025873.

ClinVar aggregate classification (germline): Pathogenic. Review status: reviewed by expert panel (3 of 4 stars). 14 submissions from 14 submitters: Pathogenic (1). 13 of the submissions do not count toward it. Last evaluated 2017-12-15.

Conditions:
Breast and/or ovarian cancer. Identifiers: MedGen CN221562.
Familial cancer of breast. Also called: hereditary breast carcinoma; Hereditary breast cancer; BREAST CANCER, FAMILIAL. Identifiers: Orphanet 227535, MedGen C0346153, MONDO:0016419, OMIM 114480. Disease mechanism: loss of function.
Breast-ovarian cancer, familial, susceptibility to, 2 (BROVCA2). Also called: BRCA2 Hereditary Breast and Ovarian Cancer. Identifiers: Orphanet 145, MedGen C2675520, MONDO:0012933, OMIM 612555. Disease mechanism: loss of function.
Hereditary breast ovarian cancer syndrome. Also called: Hereditary breast and ovarian cancer syndrome; Hereditary breast and ovarian cancer syndrome (HBOC); Breast and ovarian cancer; BRCA1- and BRCA2-Associated Hereditary Breast and Ovarian Cancer; Hereditary breast and ovarian cancer; Hereditary breast and/or ovarian cancer syndrome. Identifiers: Orphanet 145, MedGen C0677776, MeSH D061325, MONDO:0003582. Disease mechanism: loss of function.
BRCA2-related disorder. Also called: BRCA2-related condition; BRCA2-related disorders. Identifiers: MedGen CN239275.
Hereditary cancer-predisposing syndrome. Also called: Tumor predisposition; Hereditary neoplastic syndrome; Neoplastic Syndromes, Hereditary; Hereditary Cancer Syndrome. Identifiers: Orphanet 140162, MedGen C0027672, MeSH D009386, MONDO:0015356.

Submissions (14):

Evidence-based Network for the Interpretation of Germline Mutant Alleles (ENIGMA)
Classification: Pathogenic for Breast-ovarian cancer, familial, susceptibility to, 2. Last evaluated: 2017-12-15. Review status: reviewed by expert panel. Criteria: ENIGMA BRCA1/2 Classification Criteria (2017-06-29). Collection method: curation. Allele origin: germline. Study: ENIGMA.
Comment: Variant allele predicted to encode a truncated non-functional protein.

Color Diagnostics, LLC DBA Color Health
Classification: Pathogenic for Hereditary cancer-predisposing syndrome. Last evaluated: 2025-10-03. Review status: criteria provided, single submitter. Criteria: ACMG Guidelines, 2015. Collection method: clinical testing. Allele origin: germline. Not counted in ClinVar's aggregate classification.
Comment: This variant substitutes 9 nucleotides, AACAGTTGT, with 10 nucleotides, GATACTTCAG, in exon 10 of the BRCA2 gene, creating a frameshift and premature translation stop signal. This variant is expected to result in an absent or non-functional protein product. This variant has been reported in an individual affected with breast cancer (PMID: 26681312) and also detected in a breast cancer case-control meta-analysis in 2/60466 cases and 0/53461 unaffected individuals (PMID: 33471991Leiden Open Variation Database DB-ID BRCA2_006076). Multifactorial analysis on clinical data has reached a combined likelihood ratio (LR) of 2.158 from published LR for 3 carriers (PMID: 31853058). This variant has not been identified in the general population by the Genome Aggregation Database (gnomAD). Loss of BRCA2 function is a known mechanism of disease. Based on the available evidence, this variant is classified as Pathogenic.

Blueprint Genetics
Classification: Pathogenic for BRCA2-related disorders. Last evaluated: 2024-10-04. Review status: criteria provided, single submitter. Criteria: ACMG Guidelines, 2015. Collection method: clinical testing. Allele origin: germline. Affected: yes. Observed: 4 variant alleles. Not counted in ClinVar's aggregate classification.

Quest Diagnostics Nichols Institute San Juan Capistrano
Classification: Pathogenic. Last evaluated: 2024-06-12. Review status: criteria provided, single submitter. Criteria: Quest Diagnostics criteria. Collection method: clinical testing. Allele origin: unknown. Not counted in ClinVar's aggregate classification.
Comment: The BRCA2 c.891_899delinsGATACTTCAG (p.Thr298Ilefs*7) variant alters the translational reading frame of the BRCA2 mRNA and causes the premature termination of BRCA2 protein synthesis. This variant has been reported in the published literature in individuals with breast cancer (PMID: 26681312 (2015), 33471991 (2021), see also LOVD). This variant has not been reported in large, multi-ethnic general populations (Genome Aggregation Database). Based on the available information, this variant is classified as pathogenic.

Baylor Genetics
Classification: Pathogenic for Familial cancer of breast. Last evaluated: 2024-02-06. Review status: criteria provided, single submitter. Criteria: ACMG Guidelines, 2015. Collection method: clinical testing. Allele origin: unknown. Not counted in ClinVar's aggregate classification.

Ambry Genetics
Classification: Pathogenic for Hereditary cancer-predisposing syndrome. Last evaluated: 2023-12-13. Review status: criteria provided, single submitter. Criteria: Ambry Variant Classification Scheme 2023. Collection method: clinical testing. Allele origin: germline. Not counted in ClinVar's aggregate classification.
Comment: The c.891_899delAACAGTTGTins10 variant, located in coding exon 9 of the BRCA2 gene, results from the deletion of 9 nucleotides and insertion of 10 nucleotides causing a translational frameshift with a predicted alternate stop codon (p.T298Ifs*7). This alteration was identified in 1/10030 consecutive patients referred for evaluation by an NGS hereditary cancer panel (Susswein LR et al. Genet. Med., 2016 08;18:823-32). In addition to the clinical data presented in the literature, this alteration is expected to result in loss of function by premature protein truncation or nonsense-mediated mRNA decay. As such, this alteration is interpreted as a disease-causing mutation.

GeneDx
Classification: Pathogenic. Last evaluated: 2020-10-13. Review status: criteria provided, single submitter. Criteria: GeneDx Variant Classification Process June 2021. Collection method: clinical testing. Allele origin: germline. Affected: yes. Not counted in ClinVar's aggregate classification.
Comment: Frameshift variant predicted to result in protein truncation or nonsense mediated decay in a gene for which loss-of-function is a known mechanism of disease; Not observed in large population cohorts (Lek 2016); Truncating variants in this gene are considered pathogenic by a well-established clinical consortium and/or database; Observed in individuals with a personal or family history consistent with pathogenic variants in this gene (Malone 2006, Susswein 2016); Also known as 1119del9ins10; This variant is associated with the following publications: (PMID: 16912212, 26681312)

Women's Health and Genetics/Laboratory Corporation of America, LabCorp
Classification: Pathogenic for Hereditary breast and ovarian cancer syndrome. Last evaluated: 2018-06-15. Review status: criteria provided, single submitter. Criteria: LabCorp Variant Classification Summary - May 2015. Collection method: clinical testing. Allele origin: germline. Not counted in ClinVar's aggregate classification.
Comment: Variant summary: BRCA2 c.891_899delinsGATACTTCAG (p.Thr298IlefsX7) results in a premature termination codon, predicted to cause a truncation of the encoded protein or absence of the protein due to nonsense mediated decay, which are commonly known mechanisms for disease. Truncations downstream of this position have been classified as pathogenic by our laboratory (eg., p.Asn319fsX8 and p.Lys343fsX6). The variant was absent in 235816 control chromosomes. c.891_899delinsGATACTTCAG has been reported in the literature and reputable databases in individuals affected with Hereditary Breast and Ovarian Cancer. These data indicate that the variant is likely to be associated with disease. To our knowledge, no experimental evidence demonstrating an impact on protein function has been reported. Four clinical diagnostic laboratories have submitted clinical-significance assessments for this variant to ClinVar after 2014 and all classified the variant as pathogenic. Based on the evidence outlined above, the variant was classified as pathogenic.

Labcorp Genetics (formerly Invitae), Labcorp
Classification: Pathogenic for Hereditary breast and ovarian cancer syndrome. Last evaluated: 2018-03-29. Review status: criteria provided, single submitter. Criteria: Invitae Variant Classification Sherloc (09022015). Collection method: clinical testing. Allele origin: germline. Not counted in ClinVar's aggregate classification.
Comment: This sequence change creates a premature translational stop signal (p.Thr298Ilefs*7) in the BRCA2 gene. It is expected to result in an absent or disrupted protein product. This variant is not present in population databases (ExAC no frequency). This variant has been reported in an individual with breast cancer (PMID: 26681312), as well as several individuals in the Breast Cancer Information Core database (PMID: 10923033). This variant is also known as c.891_899delAACAGTTGTinsGATACTTCAG in the literature. ClinVar contains an entry for this variant (Variation ID: 125928). A different variant (c.893_899delCAGTTGTinsTACTTCAG) giving rise to the same protein effect observed here (p.Thr298Ilefs*7) has been reported in an individual affected with breast and ovarian cancer (PMID: 27798748), indicating that this residue may be critical for protein function. Loss-of-function variants in BRCA2 are known to be pathogenic (PMID: 20104584). For these reasons, this variant has been classified as Pathogenic.

CHEO Genetics Diagnostic Laboratory, Children's Hospital of Eastern Ontario
Classification: Pathogenic for Breast and/or ovarian cancer. Last evaluated: 2017-05-08. Review status: criteria provided, single submitter. Criteria: ACMG Guidelines, 2015. Collection method: clinical testing. Allele origin: germline. Study: Canadian Open Genetics Repository. Not counted in ClinVar's aggregate classification.

Department of Pathology and Molecular Medicine, Queen's University
Classification: Pathogenic for Hereditary breast ovarian cancer syndrome. Last evaluated: 2017-04-20. Review status: criteria provided, single submitter. Criteria: ACMG Guidelines, 2015. Collection method: clinical testing. Allele origin: germline. Study: The Canadian Open Genetics Repository (COGR). Not counted in ClinVar's aggregate classification.

Department of Pathology and Laboratory Medicine, Sinai Health System
Classification: Pathogenic for Familial cancer of breast; Breast-ovarian cancer, familial, susceptibility to, 2. Last evaluated: 2016-09-23. Review status: criteria provided, single submitter. Criteria: ACMG Guidelines, 2015. Collection method: clinical testing. Allele origin: germline. Affected: yes. Not counted in ClinVar's aggregate classification.

Research Molecular Genetics Laboratory, Women's College Hospital, University of Toronto
Classification: Pathogenic for Hereditary breast ovarian cancer syndrome. Last evaluated: 2014-01-31. Review status: no assertion criteria provided. Collection method: research. Allele origin: germline. Affected: yes. Study: The Canadian Open Genetics Repository (COGR). Not counted in ClinVar's aggregate classification.

Breast Cancer Information Core (BIC) (BRCA2)
Classification: Pathogenic for Breast-ovarian cancer, familial 2. Last evaluated: 2002-05-29. Review status: no assertion criteria provided. Collection method: clinical testing. Allele origin: germline. Affected: yes. Observed: 4 variant alleles. Not counted in ClinVar's aggregate classification.

Literature cited by the submitters: PubMed 26681312 (cited by 5 submitters); PubMed 31853058 (cited by Color Diagnostics, LLC DBA Color Health); PubMed 33471991 (cited by Color Diagnostics, LLC DBA Color Health and Quest Diagnostics Nichols Institute San Juan Capistrano); PubMed 27798748 (cited by Quest Diagnostics Nichols Institute San Juan Capistrano and Labcorp Genetics (formerly Invitae), Labcorp); PubMed 10923033 (cited by Labcorp Genetics (formerly Invitae), Labcorp).